The following is an entry in ClinVar:

ClinVar aggregate classification (germline): Conflicting classifications of pathogenicity. Review status: criteria provided, conflicting classifications (1 of 4 stars). 3 submissions from 3 submitters: Uncertain significance (2); Likely benign (1). Last evaluated 2026-03-11.

Conditions:
Choanal atresia-athelia-hypothyroidism-delayed puberty-short stature syndrome (BCAHH). Also called: BRANCHIAL ARCH ABNORMALITIES, CHOANAL ATRESIA, ATHELIA, HEARING LOSS, AND HYPOTHYROIDISM SYNDROME. Identifiers: Orphanet 589856, MedGen C5680310, MONDO:0035651, OMIM 620186.
Kabuki syndrome 1 (KABUK1). Also called: KMT2D-Related Kabuki Syndrome. Identifiers: Orphanet 2322, MedGen CN030661, MONDO:0007843, OMIM 147920.
KMT2D-related disorder. Also called: KMT2D-Related Disorders.
Kabuki syndrome. Also called: NIIKAWA-KUROKI SYNDROME; Kabuki make-up syndrome. Identifiers: Orphanet 2322, MedGen C0796004, MONDO:0016512.

Allele frequency attached by ClinVar (database versions not stated): gnomAD exomes below 0.00001; gnomAD 0.00001; TOPMed 0.00002.
gnomAD v4.1: 6 of 1,603,946 alleles (0.00037%); highest among the groups gnomAD compares: Non-Finnish European, 0.00051%; no homozygotes.

Submissions (3):

PreventionGenetics, part of Exact Sciences
Classification: Uncertain significance for KMT2D-related condition. Last evaluated: 2026-03-11. Review status: criteria provided, single submitter. Criteria: ACMG Guidelines, 2015. Collection method: clinical testing. Allele origin: germline.
Comment: The KMT2D c.781A>G variant is predicted to result in the amino acid substitution p.Thr261Ala. To our knowledge, this variant has not been reported in the literature. This variant is reported in 0.0065% of alleles in individuals of European (Non-Finnish) descent in gnomAD. At this time, the clinical significance of this variant is uncertain due to the absence of conclusive functional and genetic evidence.

Labcorp Genetics (formerly Invitae), Labcorp
Classification: Likely benign for Kabuki syndrome. Last evaluated: 2024-04-14. Review status: criteria provided, single submitter. Criteria: Invitae Variant Classification Sherloc (09022015). Collection method: clinical testing. Allele origin: germline.

Fulgent Genetics
Classification: Uncertain significance for Kabuki syndrome 1; Choanal atresia-athelia-hypothyroidism-delayed puberty-short stature syndrome. Last evaluated: 2024-02-07. Review status: criteria provided, single submitter. Criteria: ACMG Guidelines, 2015. Collection method: clinical testing. Allele origin: germline.

NM_003482.4(KMT2D):c.781A>G (p.Thr261Ala)

Gene: KMT2D (lysine methyltransferase 2D; minus strand). Cytogenetic location: 12q13.12.
Variant type: single nucleotide variant.
Coding change: c.781A>G on transcript NM_003482.4 (MANE Select); coding-DNA position 781, A replaced by G.
Protein change: p.Thr261Ala; replaces threonine 261 with alanine.
Molecular consequence: missense variant.
Genome position (GRCh38, 1-based): chr12:49,053,534, T>C on the plus strand (A>G on the coding strand, the complement: KMT2D is on the minus strand). VCF-style: chr12-49053534-T-C. GRCh37 (hg19) VCF-style: chr12-49447317-T-C.
Other names: short protein forms T261A.
Identifiers: ClinVar variation 2198609 (VCV002198609.6), dbSNP rs1391527793, ClinGen allele CA384681006.